The following is an entry in ClinVar:

NM_018942.3(HMX1):c.440C>A (p.Ala147Glu)

Gene: HMX1 (H6 family homeobox 1; minus strand). Cytogenetic location: 4p16.1.
Variant type: single nucleotide variant.
Coding change: c.440C>A on transcript NM_018942.3 (MANE Select); coding-DNA position 440, C replaced by A.
Protein change: p.Ala147Glu; replaces alanine 147 with glutamic acid.
Molecular consequence: missense variant. On other transcripts: intron variant (1).
Genome position (GRCh38, 1-based): chr4:8,868,300, G>T on the plus strand (C>A on the coding strand, the complement: HMX1 is on the minus strand). VCF-style: chr4-8868300-G-T. GRCh37 (hg19) VCF-style: chr4-8870026-G-T.
Other names: c.394+2921C>A (NM_001306142.2); short protein forms A147E.
Identifiers: ClinVar variation 1023666 (VCV001023666.7), dbSNP rs1434976169, ClinGen allele CA356278608.

ClinVar aggregate classification (germline): Uncertain significance (1 of 4 stars; one submission).

Allele frequency attached by ClinVar (database versions not stated): gnomAD exomes 0.00003.
gnomAD v4.1: 21 of 1,439,412 alleles (0.0015%); highest among the groups gnomAD compares: Non-Finnish European, 0.0018%; no homozygotes.

Submission:

Labcorp Genetics (formerly Invitae), Labcorp
Classification: Uncertain significance. Last evaluated: 2024-04-17. Review status: criteria provided, single submitter. Criteria: Invitae Variant Classification Sherloc (09022015). Collection method: clinical testing. Allele origin: germline.
Comment: This sequence change replaces alanine, which is neutral and non-polar, with glutamic acid, which is acidic and polar, at codon 147 of the HMX1 protein (p.Ala147Glu). The frequency data for this variant in the population databases is considered unreliable, as metrics indicate poor data quality at this position in the gnomAD database. This variant has not been reported in the literature in individuals affected with HMX1-related conditions. ClinVar contains an entry for this variant (Variation ID: 1023666). Advanced modeling of protein sequence and biophysical properties (such as structural, functional, and spatial information, amino acid conservation, physicochemical variation, residue mobility, and thermodynamic stability) performed at Invitae indicates that this missense variant is not expected to disrupt HMX1 protein function with a negative predictive value of 80%. In summary, the available evidence is currently insufficient to determine the role of this variant in disease. Therefore, it has been classified as a Variant of Uncertain Significance.